The following is an entry in ClinVar:

NM_000057.4(BLM):c.448A>G (p.Thr150Ala)

Gene: BLM (BLM RecQ like helicase; plus strand). Cytogenetic location: 15q26.1.
Variant type: single nucleotide variant.
Coding change: c.448A>G on transcript NM_000057.4 (MANE Select); coding-DNA position 448, A replaced by G.
Protein change: p.Thr150Ala; replaces threonine 150 with alanine.
Molecular consequence: missense variant. On other transcripts: 5 prime UTR variant (1).
Genome position (GRCh38, 1-based): chr15:90,749,716, A>G. VCF-style: chr15-90749716-A-G. GRCh37 (hg19) VCF-style: chr15-91292946-A-G.
Other names: c.448A>G, p.Thr150Ala (NM_001287246.2, NM_001287247.2); c.-844A>G (NM_001287248.2); short protein forms T150A.
Identifiers: ClinVar variation 580784 (VCV000580784.19), dbSNP rs1567035400, ClinGen allele CA393840764.

ClinVar aggregate classification (germline): Uncertain significance. Review status: criteria provided, multiple submitters, no conflicts (2 of 4 stars). 4 submissions from 4 submitters: Uncertain significance (3). 1 of the submissions does not count toward it. Last evaluated 2026-01-25.

Conditions:
Bloom syndrome (BLM). Also called: Bloom-Torre-Machacek syndrome. Identifiers: Orphanet 125, MedGen C0005859, MONDO:0008876, OMIM 210900.
Hereditary cancer-predisposing syndrome. Also called: Neoplastic Syndromes, Hereditary; Tumor predisposition; Hereditary neoplastic syndrome; Hereditary Cancer Syndrome. Identifiers: Orphanet 140162, MedGen C0027672, MeSH D009386, MONDO:0015356.

Allele frequency attached by ClinVar (database versions not stated): gnomAD exomes below 0.00001.
gnomAD v4.1: 1 of 1,614,168 alleles (0.000062%); highest among the groups gnomAD compares: Non-Finnish European, 0.000085%; no homozygotes.

Submissions (4):

Labcorp Genetics (formerly Invitae), Labcorp
Classification: Uncertain significance for Bloom syndrome. Last evaluated: 2026-01-25. Review status: criteria provided, single submitter. Criteria: Invitae Variant Classification Sherloc (09022015). Collection method: clinical testing. Allele origin: germline.
Comment: This sequence change replaces threonine, which is neutral and polar, with alanine, which is neutral and non-polar, at codon 150 of the BLM protein (p.Thr150Ala). This variant is not present in population databases (gnomAD no frequency). This variant has not been reported in the literature in individuals affected with BLM-related conditions. ClinVar contains an entry for this variant (Variation ID: 580784). An algorithm developed to predict the effect of missense changes on protein structure and function outputs the following: PolyPhen-2: "Benign". The alanine amino acid residue is found in multiple mammalian species, which suggests that this missense change does not adversely affect protein function. In summary, the available evidence is currently insufficient to determine the role of this variant in disease. Therefore, it has been classified as a Variant of Uncertain Significance.

Fulgent Genetics
Classification: Uncertain significance for Bloom syndrome. Last evaluated: 2024-05-30. Review status: criteria provided, single submitter. Criteria: ACMG Guidelines, 2015. Collection method: clinical testing. Allele origin: germline.

Ambry Genetics
Classification: Uncertain significance for Hereditary cancer-predisposing syndrome. Last evaluated: 2023-05-24. Review status: criteria provided, single submitter. Criteria: Ambry Variant Classification Scheme 2023. Collection method: clinical testing. Allele origin: germline.
Comment: The p.T150A variant (also known as c.448A>G), located in coding exon 2 of the BLM gene, results from an A to G substitution at nucleotide position 448. The threonine at codon 150 is replaced by alanine, an amino acid with similar properties. This amino acid position is not well conserved in available vertebrate species. In addition, this alteration is predicted to be tolerated by in silico analysis. Since supporting evidence is limited at this time, the clinical significance of this alteration remains unclear.

Natera, Inc.
Classification: Uncertain significance for Bloom syndrome. Last evaluated: 2021-02-19. Review status: no assertion criteria provided. Collection method: clinical testing. Allele origin: germline. Not counted in ClinVar's aggregate classification.